The following is an entry in ClinVar:

NM_000368.5(TSC1):c.1383G>A (p.Gly461=)

Gene: TSC1 (TSC complex subunit 1; minus strand). Cytogenetic location: 9q34.13.
Variant type: single nucleotide variant.
Coding change: c.1383G>A on transcript NM_000368.5 (MANE Select); coding-DNA position 1383, G replaced by A.
Protein change: p.Gly461=; no amino-acid change (glycine 461 retained).
Molecular consequence: synonymous variant. On other transcripts: non-coding transcript variant (5).
Genome position (GRCh38, 1-based): chr9:132,906,786, C>T on the plus strand (G>A on the coding strand, the complement: TSC1 is on the minus strand). VCF-style: chr9-132906786-C-T. GRCh37 (hg19) VCF-style: chr9-135782173-C-T.
Other names: c.1380G>A, p.Gly460= (NM_001162426.2, NM_001406597.1, NM_001406598.1 and 6 more transcripts); c.1230G>A, p.Gly410= (NM_001162427.2, NM_001406610.1); c.1020G>A, p.Gly340= (NM_001362177.2, NM_001406614.1, NM_001406615.1 and 5 more transcripts); c.1383G>A, p.Gly461= (NM_001406592.1, NM_001406593.1, NM_001406594.1 and 7 more transcripts); c.1227G>A, p.Gly409= (NM_001406611.1, NM_001406612.1, NM_001406613.1); c.1017G>A, p.Gly339= (NM_001406620.1, NM_001406621.1, NM_001406622.1 and 2 more transcripts); c.432G>A, p.Gly144= (NM_001406626.1); c.429G>A, p.Gly143= (NM_001406627.1, NM_001406628.1); and 1 more.
Identifiers: ClinVar variation 2101104 (VCV002101104.6), dbSNP rs779981609, ClinGen allele CA467591769.

ClinVar aggregate classification (germline): Benign/Likely benign. Review status: criteria provided, multiple submitters, no conflicts (2 of 4 stars). 3 submissions from 3 submitters: Benign (1); Likely benign (2). Last evaluated 2025-12-31.

Conditions:
Tuberous sclerosis 1 (TSC1). Identifiers: Orphanet 805, MedGen C1854465, MONDO:0008612, OMIM 191100.
Hereditary cancer-predisposing syndrome. Also called: Neoplastic Syndromes, Hereditary; Tumor predisposition; Hereditary Cancer Syndrome; Hereditary neoplastic syndrome. Identifiers: Orphanet 140162, MedGen C0027672, MeSH D009386, MONDO:0015356.

Submissions (3):

Ambry Genetics
Classification: Likely benign for Hereditary cancer-predisposing syndrome. Last evaluated: 2025-12-31. Review status: criteria provided, single submitter. Criteria: Ambry Variant Classification Scheme 2023. Collection method: clinical testing. Allele origin: germline.

Myriad Genetics, Inc.
Classification: Benign for Tuberous sclerosis 1. Last evaluated: 2025-04-09. Review status: criteria provided, single submitter. Criteria: Myriad Autosomal Dominant, Autosomal Recessive and X-Linked Classification Criteria (2023). Collection method: clinical testing. Allele origin: unknown.
Comment: This variant is considered benign. This variant is a silent/synonymous amino acid change and it is not expected to impact splicing.

Labcorp Genetics (formerly Invitae), Labcorp
Classification: Likely benign for Tuberous sclerosis 1. Last evaluated: 2022-02-22. Review status: criteria provided, single submitter. Criteria: Invitae Variant Classification Sherloc (09022015). Collection method: clinical testing. Allele origin: germline.